The following is an entry in ClinVar:

NM_000318.3(PEX2):c.*458G>A

Gene: PEX2 (peroxisomal biogenesis factor 2; minus strand). Cytogenetic location: 8q21.13.
Variant type: single nucleotide variant.
Coding change: c.*458G>A on transcript NM_000318.3 (MANE Select); 458 bases downstream of the stop codon, G replaced by A.
Molecular consequence: 3 prime UTR variant.
Genome position (GRCh38, 1-based): chr8:76,982,803, C>T on the plus strand (G>A on the coding strand, the complement: PEX2 is on the minus strand). VCF-style: chr8-76982803-C-T. GRCh37 (hg19) VCF-style: chr8-77895039-C-T.
Other names: NC_000008.10:g.77895039C>T; c.*458G>A (NM_001079867.2, NM_001172086.2, NM_001172087.2).
Identifiers: ClinVar variation 363808 (VCV000363808.7), dbSNP rs143201132, ClinGen allele CA10631584.
Genomic context (GRCh38, chr8:76,982,803, plus strand): 5'-ACGTTGCAGTGAGCAGAGATCGCGCCACTGCACTCCAGCCTGGGTGACAGAGCAGGACAC[C>T]GTCTCAGAAAAAAAAAAAAAAGTTACAACTGAGGCATCAGGTCTTAAGGTTTAAAACAGT-3'

ClinVar aggregate classification (germline): Benign. Review status: criteria provided, multiple submitters, no conflicts (2 of 4 stars). 2 submissions from 2 submitters: Benign (2). Last evaluated 2018-01-13.

Conditions:
Peroxisome biogenesis disorder 5A (Zellweger) (PBD5A). Identifiers: Orphanet 912, MedGen C3553940, MONDO:0013932, OMIM 614866.

Allele frequency attached by ClinVar (database versions not stated): gnomAD exomes 0.01439; 1000 Genomes Project 0.01857; TOPMed 0.02165; gnomAD 0.02392; 1000 Genomes Project 30x 0.01811.
gnomAD v4.1: 3,835 of 180,000 alleles (2.1%); highest among the groups gnomAD compares: Middle Eastern, 4.9%; 50 homozygotes.

Submissions (6):

Illumina Laboratory Services, Illumina
Classification: Benign for Peroxisome biogenesis disorder 5A (Zellweger). Last evaluated: 2018-01-13. Review status: criteria provided, single submitter. Criteria: ICSL Variant Classification Criteria 13 December 2019. Collection method: clinical testing. Allele origin: germline.
Comment: This variant was observed in the ICSL laboratory as part of a predisposition screen in an ostensibly healthy population. It had not been previously curated by ICSL or reported in the Human Gene Mutation Database (HGMD: prior to June 1st, 2018), and was therefore a candidate for classification through an automated scoring system. Utilizing variant allele frequency, disease prevalence and penetrance estimates, and inheritance mode, an automated score was calculated to assess if this variant is too frequent to cause the disease. Based on the score and internal cut-off values, a variant classified as benign is not then subjected to further curation. The score for this variant resulted in a classification of benign for this disease.

Breakthrough Genomics
Classification: Benign. Review status: criteria provided, single submitter. Criteria: ACMG Guidelines, 2015. Collection method: not provided. Allele origin: germline. Inheritance: Autosomal recessive inheritance. Affected: yes.

Dr. Peter K. Rogan Lab, Western University
No classification provided (evidence only). Condition: Ovarian serous cystadenocarcinoma. Review status: no classification provided. Collection method: in vitro. Allele origin: not applicable. Functional consequence: retained intron. Not counted in ClinVar's aggregate classification.

Dr. Peter K. Rogan Lab, Western University
No classification provided (evidence only). Condition: Ovarian serous cystadenocarcinoma. Review status: no classification provided. Collection method: in vitro. Allele origin: not applicable. Functional consequence: retained intron. Not counted in ClinVar's aggregate classification.

Dr. Peter K. Rogan Lab, Western University
No classification provided (evidence only). Condition: Chronic lymphocytic leukemia/small lymphocytic lymphoma. Review status: no classification provided. Collection method: in vitro. Allele origin: not applicable. Functional consequence: retained intron. Not counted in ClinVar's aggregate classification.

Dr. Peter K. Rogan Lab, Western University
No classification provided (evidence only). Condition: Ovarian cancer. Review status: no classification provided. Collection method: in vitro. Allele origin: not applicable. Functional consequence: retained intron. Not counted in ClinVar's aggregate classification.